The following is an entry in ClinVar:

NM_001916.5(CYC1):c.683G>A (p.Arg228Gln)

Gene: CYC1 (cytochrome c1; plus strand). Cytogenetic location: 8q24.3.
Variant type: single nucleotide variant.
Coding change: c.683G>A on transcript NM_001916.5 (MANE Select); coding-DNA position 683, G replaced by A.
Protein change: p.Arg228Gln; replaces arginine 228 with glutamine.
Molecular consequence: missense variant.
Genome position (GRCh38, 1-based): chr8:144,096,655, G>A. VCF-style: chr8-144096655-G-A. GRCh37 (hg19) VCF-style: chr8-145151558-G-A.
Other names: short protein forms R228Q.
Identifiers: ClinVar variation 2200012 (VCV002200012.4), dbSNP rs747866397, ClinGen allele CA4933486.

ClinVar aggregate classification (germline): Uncertain significance (1 of 4 stars; one submission).

Allele frequency attached by ClinVar (database versions not stated): gnomAD exomes 0.00001; gnomAD 0.00002; TOPMed 0.00004; ExAC 0.00005.

Submission:

Labcorp Genetics (formerly Invitae), Labcorp
Classification: Uncertain significance. Last evaluated: 2022-12-22. Review status: criteria provided, single submitter. Criteria: Invitae Variant Classification Sherloc (09022015). Collection method: clinical testing. Allele origin: germline.
Comment: This variant is present in population databases (rs747866397, gnomAD 0.02%). In summary, the available evidence is currently insufficient to determine the role of this variant in disease. Therefore, it has been classified as a Variant of Uncertain Significance. Advanced modeling of protein sequence and biophysical properties (such as structural, functional, and spatial information, amino acid conservation, physicochemical variation, residue mobility, and thermodynamic stability) performed at Invitae indicates that this missense variant is not expected to disrupt CYC1 protein function. This variant has not been reported in the literature in individuals affected with CYC1-related conditions. This sequence change replaces arginine, which is basic and polar, with glutamine, which is neutral and polar, at codon 228 of the CYC1 protein (p.Arg228Gln).